The following is an entry in ClinVar:

ClinVar aggregate classification (germline): Uncertain significance (1 of 4 stars; one submission).

Allele frequency attached by ClinVar (database versions not stated): gnomAD exomes 0.00001; TOPMed 0.00003; ExAC 0.00002; gnomAD 0.00003.
gnomAD v4.1: 13 of 1,613,942 alleles (0.00081%); highest among the groups gnomAD compares: African/African-American, 0.0053%; no homozygotes.

Submission:

Labcorp Genetics (formerly Invitae), Labcorp
Classification: Uncertain significance. Last evaluated: 2024-11-05. Review status: criteria provided, single submitter. Criteria: Invitae Variant Classification Sherloc (09022015). Collection method: clinical testing. Allele origin: germline.
Comment: This sequence change replaces glutamic acid, which is acidic and polar, with lysine, which is basic and polar, at codon 1063 of the ADAMTS18 protein (p.Glu1063Lys). This variant is present in population databases (rs765403489, gnomAD 0.007%). This variant has not been reported in the literature in individuals affected with ADAMTS18-related conditions. ClinVar contains an entry for this variant (Variation ID: 1350212). An algorithm developed to predict the effect of missense changes on protein structure and function (PolyPhen-2) suggests that this variant is likely to be disruptive. In summary, the available evidence is currently insufficient to determine the role of this variant in disease. Therefore, it has been classified as a Variant of Uncertain Significance.

NM_199355.4(ADAMTS18):c.3187G>A (p.Glu1063Lys)

Gene: ADAMTS18 (ADAM metallopeptidase with thrombospondin type 1 motif 18; minus strand). Cytogenetic location: 16q23.1.
Variant type: single nucleotide variant.
Coding change: c.3187G>A on transcript NM_199355.4 (MANE Select); coding-DNA position 3187, G replaced by A.
Protein change: p.Glu1063Lys; replaces glutamic acid 1063 with lysine.
Molecular consequence: missense variant.
Genome position (GRCh38, 1-based): chr16:77,293,078, C>T on the plus strand (G>A on the coding strand, the complement: ADAMTS18 is on the minus strand). VCF-style: chr16-77293078-C-T. GRCh37 (hg19) VCF-style: chr16-77326975-C-T.
Other names: c.2671G>A, p.Glu891Lys (NM_001326358.2); short protein forms E891K, E1063K.
Identifiers: ClinVar variation 1350212 (VCV001350212.7), dbSNP rs765403489, ClinGen allele CA8180594.